The following is an entry in ClinVar:

ClinVar aggregate classification (germline): Benign (1 of 4 stars; one submission).

Allele frequency attached by ClinVar (database versions not stated): gnomAD 0.86290 and 0.86645; TOPMed 0.86325; 1000 Genomes Project 0.89497; 1000 Genomes Project 30x 0.89507.
gnomAD v4.1: 131,854 of 152,086 alleles (87%); highest among the groups gnomAD compares: East Asian, 98%; 57,377 homozygotes.

Submission:

GeneDx
Classification: Benign. Last evaluated: 2018-06-14. Review status: criteria provided, single submitter. Criteria: GeneDx Variant Classification (06012015). Collection method: clinical testing. Allele origin: germline. Affected: yes.
Comment: This variant is considered likely benign or benign based on one or more of the following criteria: it is a conservative change, it occurs at a poorly conserved position in the protein, it is predicted to be benign by multiple in silico algorithms, and/or has population frequency not consistent with disease.

NM_003659.4(AGPS):c.442-325T>C

Gene: AGPS (alkylglycerone phosphate synthase; plus strand). Cytogenetic location: 2q31.2.
Variant type: single nucleotide variant.
Coding change: c.442-325T>C on transcript NM_003659.4 (MANE Select); 325 bases into the intron before coding-DNA position 442, T replaced by C.
Molecular consequence: intron variant.
Genome position (GRCh38, 1-based): chr2:177,436,439, T>C. VCF-style: chr2-177436439-T-C. GRCh37 (hg19) VCF-style: chr2-178301167-T-C.
Identifiers: ClinVar variation 683753 (VCV000683753.1), dbSNP rs6759567, ClinGen allele CA11038846.